The following is an entry in ClinVar:

ClinVar aggregate classification (germline): Uncertain significance (1 of 4 stars; one submission).

Conditions:
Cardiovascular phenotype. Identifiers: MedGen CN230736.

Submission:

Ambry Genetics
Classification: Uncertain significance for Cardiovascular phenotype. Last evaluated: 2024-12-17. Review status: criteria provided, single submitter. Criteria: Ambry Variant Classification Scheme 2023. Collection method: clinical testing. Allele origin: germline.
Comment: The p.D1251E variant (also known as c.3753C>G), located in coding exon 12 of the AKAP9 gene, results from a C to G substitution at nucleotide position 3753. The aspartic acid at codon 1251 is replaced by glutamic acid, an amino acid with highly similar properties. This amino acid position is conserved. In addition, this alteration is predicted to be tolerated by in silico analysis. Based on the available evidence, the clinical significance of this variant remains unclear.

NM_005751.5(AKAP9):c.3753C>G (p.Asp1251Glu)

Gene: AKAP9 (A-kinase anchoring protein 9; plus strand). Cytogenetic location: 7q21.2.
Variant type: single nucleotide variant.
Coding change: c.3753C>G on transcript NM_005751.5 (MANE Select); coding-DNA position 3753, C replaced by G.
Protein change: p.Asp1251Glu; replaces aspartic acid 1251 with glutamic acid.
Molecular consequence: missense variant.
Genome position (GRCh38, 1-based): chr7:92,017,018, C>G. VCF-style: chr7-92017018-C-G. GRCh37 (hg19) VCF-style: chr7-91646332-C-G.
Other names: c.3753C>G, p.Asp1251Glu (NM_147185.3); short protein forms D1251E.
Identifiers: ClinVar variation 3849202 (VCV003849202.1).